The following is an entry in ClinVar:

NM_144666.3(DNHD1):c.6664C>T (p.Arg2222Cys)

Gene: DNHD1 (dynein heavy chain domain 1; plus strand). Cytogenetic location: 11p15.4.
Variant type: single nucleotide variant.
Coding change: c.6664C>T on transcript NM_144666.3 (MANE Select); coding-DNA position 6664, C replaced by T.
Protein change: p.Arg2222Cys; replaces arginine 2222 with cysteine.
Molecular consequence: missense variant.
Genome position (GRCh38, 1-based): chr11:6,547,603, C>T. VCF-style: chr11-6547603-C-T. GRCh37 (hg19) VCF-style: chr11-6568833-C-T.
Other names: short protein forms R2222C.
Identifiers: ClinVar variation 776568 (VCV000776568.7), dbSNP rs145678295, ClinGen allele CA5856155.

ClinVar aggregate classification (germline): Benign. Review status: criteria provided, multiple submitters, no conflicts (2 of 4 stars). 3 submissions from 3 submitters: Benign (2). 1 of the submissions does not count toward it. Last evaluated 2019-12-31.

Conditions:
DNHD1-related disorder. Also called: DNHD1-related condition.

Allele frequency attached by ClinVar (database versions not stated): gnomAD exomes 0.00071 and 0.00160; ExAC 0.00282; ESP Exome Variant Server 0.00569; 1000 Genomes Project 30x 0.00656; 1000 Genomes Project 0.00679; gnomAD 0.00690 and 0.00748; TOPMed 0.00842.
gnomAD v4.1: 2,132 of 1,546,754 alleles (0.14%); highest among the groups gnomAD compares: African/African-American, 2.4%; 20 homozygotes.

Submissions (3):

Labcorp Genetics (formerly Invitae), Labcorp
Classification: Benign. Last evaluated: 2019-12-31. Review status: criteria provided, single submitter. Criteria: Invitae Variant Classification Sherloc (09022015). Collection method: clinical testing. Allele origin: germline.

Breakthrough Genomics
Classification: Benign. Review status: criteria provided, single submitter. Criteria: ACMG Guidelines, 2015. Collection method: not provided. Allele origin: germline. Inheritance: Autosomal recessive inheritance. Affected: yes.

PreventionGenetics, part of Exact Sciences
Classification: Benign for DNHD1-related condition. Last evaluated: 2019-04-11. Review status: no assertion criteria provided. Collection method: clinical testing. Allele origin: germline. Not counted in ClinVar's aggregate classification.
Comment: This variant is classified as benign based on ACMG/AMP sequence variant interpretation guidelines (Richards et al. 2015 PMID: 25741868, with internal and published modifications).